The following is an entry in ClinVar:

GRCh38/hg38 15q11.2(chr15:22646842-25282333)x1

Genes: CYFIP1 (cytoplasmic FMR1 interacting protein 1; minus strand), GOLGA6L1 (golgin A6 family like 1; minus strand), GOLGA6L2 (golgin A6 family like 2; minus strand), GOLGA6L26 (golgin A6 family like 26; minus strand), GOLGA8S (golgin A8 family member S; plus strand) and 126 more. Cytogenetic location: 15q11.2.
Variant type: copy number loss.
Change: copy number 1 (one copy instead of two) of chr15:22,646,842-25,282,333 (2.64 Mb, GRCh38 coordinates, 1-based), cytogenetic band 15q11.2.
Identifiers: ClinVar variation 4974718 (VCV004974718.1).

ClinVar aggregate classification (germline): Pathogenic (1 of 4 stars; one submission).

Submission:

Clinical Genomics Laboratory, Laboratory for Precision Diagnostics, University of Washington
Classification: Pathogenic. Last evaluated: 2024-03-18. Review status: criteria provided, single submitter. Criteria: ACMG/ClinGen CNV Guidelines, 2019. Collection method: clinical testing. Allele origin: paternal. Affected: yes. Observed: 1 variant allele.
Comment: This interstitial deletion is approximately 2.64 Mb in size and contains 119 genes, including SNRPN and the snoRNA gene cluster. This is an atypical deletion that does not include the UBE3A gene.

Literature cited by the submitters: PubMed 10982040; PubMed 24311297.